The following is an entry in ClinVar:

NM_001041.4(SI):c.3236G>T (p.Arg1079Ile)

Gene: SI (sucrase-isomaltase; minus strand). Cytogenetic location: 3q26.1.
Variant type: single nucleotide variant.
Coding change: c.3236G>T on transcript NM_001041.4 (MANE Select); coding-DNA position 3236, G replaced by T.
Protein change: p.Arg1079Ile; replaces arginine 1079 with isoleucine.
Molecular consequence: missense variant.
Genome position (GRCh38, 1-based): chr3:165,021,247, C>A on the plus strand (G>T on the coding strand, the complement: SI is on the minus strand). VCF-style: chr3-165021247-C-A. GRCh37 (hg19) VCF-style: chr3-164739035-C-A.
Other names: short protein forms R1079I.
Identifiers: ClinVar variation 1062257 (VCV001062257.9), dbSNP rs1307836828, ClinGen allele CA355040828.

ClinVar aggregate classification (germline): Uncertain significance. Review status: criteria provided, multiple submitters, no conflicts (2 of 4 stars). 3 submissions from 3 submitters: Uncertain significance (3). Last evaluated 2025-10-16.

Conditions:
Sucrase-isomaltase deficiency (CSID). Also called: Deficiency of isomaltase; SI DEFICIENCY; Congenital sucrose isomaltose malabsorption; Sucrose isomaltose enzyme deficiency. Identifiers: Orphanet 35122, MedGen C1283620, MONDO:0009114, OMIM 222900.

Allele frequency attached by ClinVar (database versions not stated): gnomAD exomes 0.00001; TOPMed 0.00002.
gnomAD v4.1: 4 of 1,610,958 alleles (0.00025%); highest among the groups gnomAD compares: Admixed American, 0.0067%; no homozygotes.

Submissions (3):

Labcorp Genetics (formerly Invitae), Labcorp
Classification: Uncertain significance. Last evaluated: 2025-10-16. Review status: criteria provided, single submitter. Criteria: Invitae Variant Classification Sherloc (09022015). Collection method: clinical testing. Allele origin: germline.
Comment: This sequence change replaces arginine, which is basic and polar, with isoleucine, which is neutral and non-polar, at codon 1079 of the SI protein (p.Arg1079Ile). This variant is present in population databases (no rsID available, gnomAD 0.003%). This variant has not been reported in the literature in individuals affected with SI-related conditions. ClinVar contains an entry for this variant (Variation ID: 1062257). Invitae Evidence Modeling of protein sequence and biophysical properties (such as structural, functional, and spatial information, amino acid conservation, physicochemical variation, residue mobility, and thermodynamic stability) indicates that this missense variant is not expected to disrupt SI protein function with a negative predictive value of 95%. In summary, the available evidence is currently insufficient to determine the role of this variant in disease. Therefore, it has been classified as a Variant of Uncertain Significance.

Women's Health and Genetics/Laboratory Corporation of America, LabCorp
Classification: Uncertain significance. Last evaluated: 2023-10-31. Review status: criteria provided, single submitter. Criteria: LabCorp Variant Classification Summary - May 2015. Collection method: clinical testing. Allele origin: germline.
Comment: Variant summary: SI c.3236G>T (p.Arg1079Ile) results in a non-conservative amino acid change located in the Glycoside hydrolase family 31, N-terminal domain (IPR025887) of the encoded protein sequence. Four of five in-silico tools predict a damaging effect of the variant on protein function. The variant allele was found at a frequency of 8e-06 in 250364 control chromosomes. The available data on variant occurrences in the general population are insufficient to allow any conclusion about variant significance. To our knowledge, no occurrence of c.3236G>T in individuals affected with Sucrase-Isomaltase Deficiency and no experimental evidence demonstrating its impact on protein function have been reported. Two submitters have cited clinical-significance assessments for this variant to ClinVar after 2014. All submitters classified the variant as uncertain significance. Based on the evidence outlined above, the variant was classified as uncertain significance.

Fulgent Genetics
Classification: Uncertain significance for Sucrase-isomaltase deficiency. Last evaluated: 2022-04-10. Review status: criteria provided, single submitter. Criteria: ACMG Guidelines, 2015. Collection method: clinical testing. Allele origin: unknown.